The following is an entry in ClinVar:

NM_001393504.1(MAST3):c.1735G>A (p.Glu579Lys)

Gene: MAST3 (microtubule associated serine/threonine kinase 3; plus strand). Cytogenetic location: 19p13.11.
Variant type: single nucleotide variant.
Coding change: c.1735G>A on transcript NM_001393504.1 (MANE Select); coding-DNA position 1735, G replaced by A.
Protein change: p.Glu579Lys; replaces glutamic acid 579 with lysine.
Molecular consequence: missense variant.
Genome position (GRCh38, 1-based): chr19:18,134,847, G>A. VCF-style: chr19-18134847-G-A. GRCh37 (hg19) VCF-style: chr19-18245657-G-A.
Other names: c.1714G>A, p.Glu572Lys (NM_001393507.1); c.1669G>A, p.Glu557Lys (NM_001393508.1, NM_001393516.1); c.1666G>A, p.Glu556Lys (NM_001393509.1, NM_001393510.1, NM_001393512.1 and 2 more transcripts); c.1663G>A, p.Glu555Lys (NM_001393511.1, NM_001393519.1); c.1687G>A, p.Glu563Lys (NM_001393513.1, NM_001393506.1); c.1648G>A, p.Glu550Lys (NM_001393514.1, NM_015016.2); c.1645G>A, p.Glu549Lys (NM_001393515.1, NM_001393520.1); c.1621G>A, p.Glu541Lys (NM_001393521.1); and 4 more; short protein forms E541K, E549K, E550K, E555K, E556K, E557K, E563K, E572K.
Identifiers: ClinVar variation 2504475 (VCV002504475.2), dbSNP rs2513193823, ClinGen allele CA404814678.

ClinVar aggregate classification (germline): Uncertain significance. Review status: criteria provided, multiple submitters, no conflicts (2 of 4 stars). 2 submissions from 2 submitters: Uncertain significance (2). Last evaluated 2026-05-13.

Conditions:
Inborn genetic diseases. Identifiers: MedGen C0950123, MeSH D030342.

Submissions (2):

Ambry Genetics
Classification: Uncertain significance for Inborn genetic diseases. Last evaluated: 2026-05-13. Review status: criteria provided, single submitter. Criteria: Ambry Variant Classification Scheme 2023. Collection method: clinical testing. Allele origin: germline.

GeneDx
Classification: Uncertain significance. Last evaluated: 2022-12-01. Review status: criteria provided, single submitter. Criteria: GeneDx Variant Classification Process June 2021. Collection method: clinical testing. Allele origin: germline. Affected: yes.
Comment: Not observed at significant frequency in large population cohorts (gnomAD); In silico analysis supports that this missense variant has a deleterious effect on protein structure/function; Has not been previously published as pathogenic or benign to our knowledge